The following is an entry in ClinVar:

ClinVar aggregate classification (germline): Uncertain significance. Review status: criteria provided, multiple submitters, no conflicts (2 of 4 stars). 2 submissions from 2 submitters: Uncertain significance (2). Last evaluated 2022-07-23.

Conditions:
Hereditary cancer-predisposing syndrome. Also called: Tumor predisposition; Hereditary Cancer Syndrome; Hereditary neoplastic syndrome; Neoplastic Syndromes, Hereditary. Identifiers: Orphanet 140162, MedGen C0027672, MeSH D009386, MONDO:0015356.

Allele frequency attached by ClinVar (database versions not stated): gnomAD exomes below 0.00001.
gnomAD v4.1: 2 of 1,614,218 alleles (0.00012%); highest among the groups gnomAD compares: Admixed American, 0.0017%; no homozygotes.

Submissions (2):

Labcorp Genetics (formerly Invitae), Labcorp
Classification: Uncertain significance for Hereditary cancer-predisposing syndrome. Last evaluated: 2022-07-23. Review status: criteria provided, single submitter. Criteria: Invitae Variant Classification Sherloc (09022015). Collection method: clinical testing. Allele origin: germline.
Comment: In summary, the available evidence is currently insufficient to determine the role of this variant in disease. Therefore, it has been classified as a Variant of Uncertain Significance. Algorithms developed to predict the effect of missense changes on protein structure and function are either unavailable or do not agree on the potential impact of this missense change (SIFT: "Deleterious"; PolyPhen-2: "Probably Damaging"; Align-GVGD: "Class C0"). ClinVar contains an entry for this variant (Variation ID: 486253). This missense change has been observed in individual(s) with breast cancer (PMID: 33240314). This variant is present in population databases (no rsID available, gnomAD 0.003%). This sequence change replaces alanine, which is neutral and non-polar, with glycine, which is neutral and non-polar, at codon 1216 of the RAD50 protein (p.Ala1216Gly).

Ambry Genetics
Classification: Uncertain significance for Hereditary cancer-predisposing syndrome. Last evaluated: 2016-09-01. Review status: criteria provided, single submitter. Criteria: Ambry Variant Classification Scheme 2023. Collection method: clinical testing. Allele origin: germline.
Comment: The p.A1216G variant (also known as c.3647C>G), located in coding exon 24 of the RAD50 gene, results from a C to G substitution at nucleotide position 3647. The alanine at codon 1216 is replaced by glycine, an amino acid with similar properties. This variant was not reported in population based cohorts in the following databases: Database of Single Nucleotide Polymorphisms (dbSNP), NHLBI Exome Sequencing Project (ESP), and 1000 Genomes Project. In the ESP, this variant was not observed in 6503 samples (13006 alleles) with coverage at this position. To date, this alteration has been detected with an allele frequency of approximately 0.001% (greater than 175000 alleles tested) in our clinical cohort. This amino acid position is highly conserved in available vertebrate species. In addition, this alteration is predicted to be deleterious by in silico analysis. Since supporting evidence is limited at this time, the clinical significance of this alteration remains unclear.

Literature cited by the submitters: PubMed 33240314 (cited by Labcorp Genetics (formerly Invitae), Labcorp).

NM_005732.4(RAD50):c.3647C>G (p.Ala1216Gly)

Genes: TH2LCRR (T helper type 2 locus control region associated RNA; minus strand), TH2-LCR (Th2 cytokine locus control region; plus strand), RAD50 (RAD50 double strand break repair protein; plus strand). Cytogenetic location: 5q31.1.
Variant type: single nucleotide variant.
Coding change: c.3647C>G on transcript NM_005732.4 (MANE Select); coding-DNA position 3647, C replaced by G.
Protein change: p.Ala1216Gly; replaces alanine 1216 with glycine.
Molecular consequence: missense variant.
Genome position (GRCh38, 1-based): chr5:132,640,700, C>G. VCF-style: chr5-132640700-C-G. GRCh37 (hg19) VCF-style: chr5-131976392-C-G.
Other names: short protein forms A1216G.
Identifiers: ClinVar variation 486253 (VCV000486253.11), dbSNP rs1314725075, ClinGen allele CA360933797.
Genomic context (GRCh38, chr5:132,640,700, plus strand): 5'-GCTGGGCTTCTCACATAGGGGCTTTTTTCCAGGTATTAGCCTCACTCATCATTCGCCTGG[C>G]CCTGGCTGAAACGTTCTGCCTCAACTGTGGCATCATTGCCTTGGATGAGCCAACAACAAA-3'
Protein context (NP_005723.2, residues 1206-1226): KVLASLIIRL[Ala1216Gly]LAETFCLNCG